The following is an entry in ClinVar:

NM_001127208.3(TET2):c.3598G>A (p.Val1200Ile)

Genes: TET2 (tet methylcytosine dioxygenase 2; plus strand), TET2-AS1 (TET2 antisense RNA 1; minus strand). Cytogenetic location: 4q24.
Variant type: single nucleotide variant.
Coding change: c.3598G>A on transcript NM_001127208.3 (MANE Select); coding-DNA position 3598, G replaced by A.
Protein change: p.Val1200Ile; replaces valine 1200 with isoleucine.
Molecular consequence: missense variant.
Genome position (GRCh38, 1-based): chr4:105,243,573, G>A. VCF-style: chr4-105243573-G-A. GRCh37 (hg19) VCF-style: chr4-106164730-G-A.
Other names: short protein forms V1200I.
Identifiers: ClinVar variation 2768043 (VCV002768043.3), dbSNP rs1039188540, ClinGen allele CA102760598.

ClinVar aggregate classification (germline): Uncertain significance (1 of 4 stars; one submission).

Allele frequency attached by ClinVar (database versions not stated): gnomAD exomes below 0.00001.
gnomAD v4.1: 1 of 1,551,602 alleles (0.000064%); highest among the groups gnomAD compares: Non-Finnish European, 0.000087%; no homozygotes.

Submission:

Labcorp Genetics (formerly Invitae), Labcorp
Classification: Uncertain significance. Last evaluated: 2023-10-23. Review status: criteria provided, single submitter. Criteria: Invitae Variant Classification Sherloc (09022015). Collection method: clinical testing. Allele origin: germline.
Comment: This sequence change replaces valine, which is neutral and non-polar, with isoleucine, which is neutral and non-polar, at codon 1200 of the TET2 protein (p.Val1200Ile). This variant is not present in population databases (gnomAD no frequency). This variant has not been reported in the literature in individuals affected with TET2-related conditions. Algorithms developed to predict the effect of missense changes on protein structure and function output the following: SIFT: "Not Available"; PolyPhen-2: "Benign"; Align-GVGD: "Not Available". The isoleucine amino acid residue is found in multiple mammalian species, which suggests that this missense change does not adversely affect protein function. In summary, the available evidence is currently insufficient to determine the role of this variant in disease. Therefore, it has been classified as a Variant of Uncertain Significance.